The following is an entry in ClinVar:

NM_004168.4(SDHA):c.1461C>G (p.Asn487Lys)

Gene: SDHA (succinate dehydrogenase complex flavoprotein subunit A; plus strand). Cytogenetic location: 5p15.33.
Variant type: single nucleotide variant.
Coding change: c.1461C>G on transcript NM_004168.4 (MANE Select); coding-DNA position 1461, C replaced by G.
Protein change: p.Asn487Lys; replaces asparagine 487 with lysine.
Molecular consequence: missense variant.
Genome position (GRCh38, 1-based): chr5:240,386, C>G. VCF-style: chr5-240386-C-G. GRCh37 (hg19) VCF-style: chr5-240501-C-G.
Other names: c.1317C>G, p.Asn439Lys (NM_001294332.2); c.1461C>G, p.Asn487Lys (NM_001330758.2); short protein forms N487K, N439K.
Identifiers: ClinVar variation 4843550 (VCV004843550.1).
Genomic context (GRCh38, chr5:240,386, plus strand): 5'-AAAAGTTAAATTCTAGCTTTTTTTTGTTTTAGGAGATAAAGTCCCTCCAATTAAACCAAA[C>G]GCTGGGGAAGAATCTGTCATGAATCTTGACAAATTGAGATTTGCTGATGGAAGCATAAGA-3'
Protein context (NP_004159.2, residues 477-497): PGDKVPPIKP[Asn487Lys]AGEESVMNLD

ClinVar aggregate classification (germline): Uncertain significance (1 of 4 stars; one submission).

Conditions:
Hereditary cancer-predisposing syndrome. Also called: Neoplastic Syndromes, Hereditary; Tumor predisposition; Hereditary Cancer Syndrome; Hereditary neoplastic syndrome. Identifiers: Orphanet 140162, MedGen C0027672, MeSH D009386, MONDO:0015356.

Submission:

Ambry Genetics
Classification: Uncertain significance for Hereditary cancer-predisposing syndrome. Last evaluated: 2025-12-22. Review status: criteria provided, single submitter. Criteria: Ambry Variant Classification Scheme 2023. Collection method: clinical testing. Allele origin: germline.
Comment: The p.N487K variant (also known as c.1461C>G), located in coding exon 11 of the SDHA gene, results from a C to G substitution at nucleotide position 1461. The asparagine at codon 487 is replaced by lysine, an amino acid with similar properties. This amino acid position is well conserved in available vertebrate species. In addition, this alteration is predicted to be tolerated by in silico analysis. Based on the available evidence, the clinical significance of this variant remains unclear.